The following is an entry in ClinVar:

ClinVar aggregate classification (germline): Uncertain significance (1 of 4 stars; one submission).

Submission:

Labcorp Genetics (formerly Invitae), Labcorp
Classification: Uncertain significance. Last evaluated: 2022-12-24. Review status: criteria provided, single submitter. Criteria: Invitae Variant Classification Sherloc (09022015). Collection method: clinical testing. Allele origin: germline.
Comment: In summary, the available evidence is currently insufficient to determine the role of this variant in disease. Therefore, it has been classified as a Variant of Uncertain Significance. Experimental studies and prediction algorithms are not available or were not evaluated, and the functional significance of this variant is currently unknown. This variant has not been reported in the literature in individuals affected with COL18A1-related conditions. This variant is not present in population databases (gnomAD no frequency). This sequence change replaces arginine, which is basic and polar, with proline, which is neutral and non-polar, at codon 1114 of the COL18A1 protein (p.Arg1114Pro).

NM_001379500.1(COL18A1):c.3350G>C (p.Arg1117Pro)

Genes: COL18A1 (collagen type XVIII alpha 1 chain; plus strand), SLC19A1 (solute carrier family 19 member 1; minus strand). Cytogenetic location: 21q22.3.
Variant type: single nucleotide variant.
Coding change: c.3350G>C on transcript NM_001379500.1 (MANE Select); coding-DNA position 3350, G replaced by C.
Protein change: p.Arg1117Pro; replaces arginine 1117 with proline.
Molecular consequence: missense variant.
Genome position (GRCh38, 1-based): chr21:45,509,456, G>C. VCF-style: chr21-45509456-G-C. GRCh37 (hg19) VCF-style: chr21-46929370-G-C.
Other names: c.4586G>C, p.Arg1529Pro (NM_130444.3); c.3881G>C, p.Arg1294Pro (NM_030582.4); short protein forms R1294P, R1117P, R1529P.
Identifiers: ClinVar variation 2823919 (VCV002823919.3), dbSNP rs774779029, ClinGen allele CA410500809.